The following is an entry in ClinVar:

ClinVar aggregate classification (germline): Uncertain significance (1 of 4 stars; one submission).

Conditions:
Autosomal dominant polycystic kidney disease. Identifiers: Orphanet 730, MedGen C0085413, MONDO:0004691.

Allele frequency attached by ClinVar (database versions not stated): gnomAD 0.00001; gnomAD exomes 0.00001; ExAC 0.00002; TOPMed 0.00002; 1000 Genomes Project 30x 0.00016; 1000 Genomes Project 0.00020.

Submission:

Labcorp Genetics (formerly Invitae), Labcorp
Classification: Uncertain significance for Autosomal dominant polycystic kidney disease. Last evaluated: 2023-02-27. Review status: criteria provided, single submitter. Criteria: Invitae Variant Classification Sherloc (09022015). Collection method: clinical testing. Allele origin: germline.
Comment: In summary, the available evidence is currently insufficient to determine the role of this variant in disease. Therefore, it has been classified as a Variant of Uncertain Significance. Advanced modeling of protein sequence and biophysical properties (such as structural, functional, and spatial information, amino acid conservation, physicochemical variation, residue mobility, and thermodynamic stability) performed at Invitae indicates that this missense variant is expected to disrupt PKD2 protein function. This missense change has been observed in individual(s) with clinical features of PKD2-related conditions (PMID: 26489027). This variant is present in population databases (rs547347893, gnomAD 0.01%). This sequence change replaces isoleucine, which is neutral and non-polar, with valine, which is neutral and non-polar, at codon 679 of the PKD2 protein (p.Ile679Val).

Literature cited by the submitters: PubMed 26489027.

NM_000297.4(PKD2):c.2035A>G (p.Ile679Val)

Gene: PKD2 (polycystin 2, transient receptor potential cation channel; plus strand). Cytogenetic location: 4q22.1.
Variant type: single nucleotide variant.
Coding change: c.2035A>G on transcript NM_000297.4 (MANE Select); coding-DNA position 2035, A replaced by G.
Protein change: p.Ile679Val; replaces isoleucine 679 with valine.
Molecular consequence: missense variant. On other transcripts: non-coding transcript variant (1).
Genome position (GRCh38, 1-based): chr4:88,061,921, A>G. VCF-style: chr4-88061921-A-G. GRCh37 (hg19) VCF-style: chr4-88983073-A-G.
Other names: short protein forms I679V.
Identifiers: ClinVar variation 2726800 (VCV002726800.3), dbSNP rs547347893, ClinGen allele CA3004118.